The following is an entry in ClinVar:

NM_018706.7(DHTKD1):c.2263C>T (p.Arg755Trp)

Gene: DHTKD1 (dehydrogenase E1 and transketolase domain containing 1; plus strand). Cytogenetic location: 10p14.
Variant type: single nucleotide variant.
Coding change: c.2263C>T on transcript NM_018706.7 (MANE Select); coding-DNA position 2263, C replaced by T.
Protein change: p.Arg755Trp; replaces arginine 755 with tryptophan.
Molecular consequence: missense variant.
Genome position (GRCh38, 1-based): chr10:12,113,008, C>T. VCF-style: chr10-12113008-C-T. GRCh37 (hg19) VCF-style: chr10-12155007-C-T.
Other names: short protein forms R755W.
Identifiers: ClinVar variation 2376640 (VCV002376640.5), dbSNP rs553531625, ClinGen allele CA5408185.

ClinVar aggregate classification (germline): Uncertain significance. Review status: criteria provided, multiple submitters, no conflicts (2 of 4 stars). 2 submissions from 2 submitters: Uncertain significance (2). Last evaluated 2025-06-16.

Conditions:
Inborn genetic diseases. Identifiers: MedGen C0950123, MeSH D030342.
2-aminoadipic 2-oxoadipic aciduria (AAKAD). Also called: ALPHA-AMINOADIPIC AND ALPHA-KETOADIPIC ACIDURIA; Aminoadipic aciduria. Identifiers: Orphanet 79154, MedGen C1859817, MONDO:0008774, OMIM 204750.

Allele frequency attached by ClinVar (database versions not stated): ExAC 0.00002; TOPMed 0.00002; gnomAD 0.00003; gnomAD exomes 0.00004; 1000 Genomes Project 0.00020; 1000 Genomes Project 30x 0.00031.
gnomAD v4.1: 65 of 1,613,564 alleles (0.004%); highest among the groups gnomAD compares: Non-Finnish European, 0.0049%; no homozygotes.

Submissions (2):

Labcorp Genetics (formerly Invitae), Labcorp
Classification: Uncertain significance for 2-aminoadipic 2-oxoadipic aciduria. Last evaluated: 2025-06-16. Review status: criteria provided, single submitter. Criteria: Invitae Variant Classification Sherloc (09022015). Collection method: clinical testing. Allele origin: germline.
Comment: This sequence change replaces arginine, which is basic and polar, with tryptophan, which is neutral and slightly polar, at codon 755 of the DHTKD1 protein (p.Arg755Trp). This variant is present in population databases (rs553531625, gnomAD 0.008%). This variant has not been reported in the literature in individuals affected with DHTKD1-related conditions. ClinVar contains an entry for this variant (Variation ID: 2376640). Invitae Evidence Modeling of protein sequence and biophysical properties (such as structural, functional, and spatial information, amino acid conservation, physicochemical variation, residue mobility, and thermodynamic stability) indicates that this missense variant is not expected to disrupt DHTKD1 protein function with a negative predictive value of 80%. In summary, the available evidence is currently insufficient to determine the role of this variant in disease. Therefore, it has been classified as a Variant of Uncertain Significance.

Ambry Genetics
Classification: Uncertain significance for Inborn genetic diseases. Last evaluated: 2022-04-12. Review status: criteria provided, single submitter. Criteria: Ambry Variant Classification Scheme 2023. Collection method: clinical testing. Allele origin: germline.